The following is an entry in ClinVar:

NM_002519.3(NPAT):c.1003+3A>G

Gene: NPAT (nuclear protein, coactivator of histone transcription; minus strand). Cytogenetic location: 11q22.3.
Variant type: single nucleotide variant.
Coding change: c.1003+3A>G on transcript NM_002519.3 (MANE Select); 3 bases into the intron after coding-DNA position 1003, A replaced by G.
Molecular consequence: intron variant.
Genome position (GRCh38, 1-based): chr11:108,176,991, T>C on the plus strand (A>G on the coding strand, the complement: NPAT is on the minus strand). VCF-style: chr11-108176991-T-C. GRCh37 (hg19) VCF-style: chr11-108047718-T-C.
Other names: c.1003+3A>G (NM_001321307.1).
Identifiers: ClinVar variation 2906359 (VCV002906359.3), dbSNP rs777820447, ClinGen allele CA6264116.

ClinVar aggregate classification (germline): Uncertain significance (1 of 4 stars; one submission).

Allele frequency attached by ClinVar (database versions not stated): TOPMed 0.00001; gnomAD 0.00002; gnomAD exomes 0.00003; ExAC 0.00002.
gnomAD v4.1: 44 of 1,591,950 alleles (0.0028%); highest among the groups gnomAD compares: Non-Finnish European, 0.0034%; no homozygotes.

Submission:

Labcorp Genetics (formerly Invitae), Labcorp
Classification: Uncertain significance. Last evaluated: 2025-08-20. Review status: criteria provided, single submitter. Criteria: Invitae Variant Classification Sherloc (09022015). Collection method: clinical testing. Allele origin: germline.
Comment: This sequence change falls in intron 11 of the NPAT gene. It does not directly change the encoded amino acid sequence of the NPAT protein. It affects a nucleotide within the consensus splice site. This variant is present in population databases (rs777820447, gnomAD 0.005%). This variant has not been reported in the literature in individuals affected with NPAT-related conditions. ClinVar contains an entry for this variant (Variation ID: 2906359). Variants that disrupt the consensus splice site are a relatively common cause of aberrant splicing (PMID: 17576681, 9536098). Algorithms developed to predict the effect of sequence changes on RNA splicing suggest that this variant may create or strengthen a splice site. In summary, the available evidence is currently insufficient to determine the role of this variant in disease. Therefore, it has been classified as a Variant of Uncertain Significance.

Literature cited by the submitters: PubMed 17576681; PubMed 9536098.